The following is an entry in ClinVar:

NM_014159.7(SETD2):c.1661G>A (p.Arg554His)

Gene: SETD2 (SET domain containing 2, histone lysine methyltransferase; minus strand). Cytogenetic location: 3p21.31.
Variant type: single nucleotide variant.
Coding change: c.1661G>A on transcript NM_014159.7 (MANE Select); coding-DNA position 1661, G replaced by A.
Protein change: p.Arg554His; replaces arginine 554 with histidine.
Molecular consequence: missense variant. On other transcripts: non-coding transcript variant (1).
Genome position (GRCh38, 1-based): chr3:47,122,975, C>T on the plus strand (G>A on the coding strand, the complement: SETD2 is on the minus strand). VCF-style: chr3-47122975-C-T. GRCh37 (hg19) VCF-style: chr3-47164465-C-T.
Other names: c.1529G>A, p.Arg510His (NM_001349370.3); short protein forms R510H, R554H.
Identifiers: ClinVar variation 944637 (VCV000944637.6), dbSNP rs375514539, ClinGen allele CA73811177.
Genomic context (GRCh38, chr3:47,122,975, plus strand): 5'-CAGAAAGAATTTTTAAATTTATCAGACTTGGGTATAGGTTTTGAAAGGGTAGATTTATAA[C>T]GGGAAGCACTACTGTCATGCTTAGAATATGATGACCCTCGTCGGAATCCCAGTTCATTAG-3'
Protein context (NP_054878.5, residues 544-564): SYSKHDSSAS[Arg554His]YKSTLSKPIP

ClinVar aggregate classification (germline): Uncertain significance (1 of 4 stars; one submission).

Conditions:
Luscan-Lumish syndrome. Identifiers: Orphanet 597738, MedGen C4085873, MONDO:0014791, OMIM 616831.

Allele frequency attached by ClinVar (database versions not stated): gnomAD exomes below 0.00001; gnomAD 0.00003 and 0.00004; TOPMed 0.00006; ESP Exome Variant Server 0.00008.
gnomAD v4.1: 48 of 1,613,692 alleles (0.003%); highest among the groups gnomAD compares: African/African-American, 0.0093%; no homozygotes.

Submission:

Labcorp Genetics (formerly Invitae), Labcorp
Classification: Uncertain significance for Luscan-Lumish syndrome. Last evaluated: 2022-12-02. Review status: criteria provided, single submitter. Criteria: Invitae Variant Classification Sherloc (09022015). Collection method: clinical testing. Allele origin: germline.
Comment: In summary, the available evidence is currently insufficient to determine the role of this variant in disease. Therefore, it has been classified as a Variant of Uncertain Significance. Advanced modeling of protein sequence and biophysical properties (such as structural, functional, and spatial information, amino acid conservation, physicochemical variation, residue mobility, and thermodynamic stability) performed at Invitae indicates that this missense variant is not expected to disrupt SETD2 protein function. ClinVar contains an entry for this variant (Variation ID: 944637). This variant has not been reported in the literature in individuals affected with SETD2-related conditions. This variant is present in population databases (rs375514539, gnomAD 0.0009%). This sequence change replaces arginine, which is basic and polar, with histidine, which is basic and polar, at codon 554 of the SETD2 protein (p.Arg554His).